The following is an entry in ClinVar:

NM_015295.3(SMCHD1):c.2260+6T>C

Gene: SMCHD1 (structural maintenance of chromosomes flexible hinge domain containing 1; plus strand). Cytogenetic location: 18p11.32.
Variant type: single nucleotide variant.
Coding change: c.2260+6T>C on transcript NM_015295.3 (MANE Select); 6 bases into the intron after coding-DNA position 2260, T replaced by C.
Molecular consequence: intron variant.
Genome position (GRCh38, 1-based): chr18:2,707,926, T>C. VCF-style: chr18-2707926-T-C. GRCh37 (hg19) VCF-style: chr18-2707924-T-C.
Identifiers: ClinVar variation 1516758 (VCV001516758.6), dbSNP rs2143259269, ClinGen allele CA2573155050.

ClinVar aggregate classification (germline): Uncertain significance (1 of 4 stars; one submission).

Conditions:
Facioscapulohumeral muscular dystrophy 2 (FSHD2). Also called: MUSCULAR DYSTROPHY, FACIOSCAPULOHUMERAL, TYPE 1B; FACIOSCAPULOHUMERAL MUSCULAR DYSTROPHY 2, DIGENIC; FSHD2, DIGENIC. Identifiers: Orphanet 269, MedGen C1834671, MONDO:0008031, OMIM 158901.

Submission:

Labcorp Genetics (formerly Invitae), Labcorp
Classification: Uncertain significance for Facioscapulohumeral muscular dystrophy 2. Last evaluated: 2022-11-08. Review status: criteria provided, single submitter. Criteria: Invitae Variant Classification Sherloc (09022015). Collection method: clinical testing. Allele origin: germline.
Comment: In summary, the available evidence is currently insufficient to determine the role of this variant in disease. Therefore, it has been classified as a Variant of Uncertain Significance. Variants that disrupt the consensus splice site are a relatively common cause of aberrant splicing (PMID: 17576681, 9536098). Algorithms developed to predict the effect of sequence changes on RNA splicing suggest that this variant may disrupt the consensus splice site. ClinVar contains an entry for this variant (Variation ID: 1516758). This variant has not been reported in the literature in individuals affected with SMCHD1-related conditions. This variant is not present in population databases (gnomAD no frequency). This sequence change falls in intron 17 of the SMCHD1 gene. It does not directly change the encoded amino acid sequence of the SMCHD1 protein. It affects a nucleotide within the consensus splice site.

Literature cited by the submitters: PubMed 17576681; PubMed 9536098.